The following is an entry in ClinVar:

NM_003730.6(RNASET2):c.600A>T (p.Glu200Asp)

Gene: RNASET2 (ribonuclease T2; minus strand). Cytogenetic location: 6q27.
Variant type: single nucleotide variant.
Coding change: c.600A>T on transcript NM_003730.6 (MANE Select); coding-DNA position 600, A replaced by T.
Protein change: p.Glu200Asp; replaces glutamic acid 200 with aspartic acid.
Molecular consequence: missense variant.
Genome position (GRCh38, 1-based): chr6:166,929,759, T>A on the plus strand (A>T on the coding strand, the complement: RNASET2 is on the minus strand). VCF-style: chr6-166929759-T-A. GRCh37 (hg19) VCF-style: chr6-167343247-T-A.
Other names: c.600A>T (NM_003730.4); short protein forms E200D.
Identifiers: ClinVar variation 2080584 (VCV002080584.3), dbSNP rs974396478, ClinGen allele CA151949039.

ClinVar aggregate classification (germline): Uncertain significance. Review status: criteria provided, multiple submitters, no conflicts (2 of 4 stars). 2 submissions from 2 submitters: Uncertain significance (2). Last evaluated 2024-10-03.

Conditions:
Inborn genetic diseases. Identifiers: MedGen C0950123, MeSH D030342.

Allele frequency attached by ClinVar (database versions not stated): gnomAD 0.00002; TOPMed 0.00002.
gnomAD v4.1: 20 of 1,614,054 alleles (0.0012%); highest among the groups gnomAD compares: African/African-American, 0.0027%; no homozygotes.

Submissions (2):

Ambry Genetics
Classification: Uncertain significance for Inborn genetic diseases. Last evaluated: 2024-10-03. Review status: criteria provided, single submitter. Criteria: Ambry Variant Classification Scheme 2023. Collection method: clinical testing. Allele origin: germline.

Labcorp Genetics (formerly Invitae), Labcorp
Classification: Uncertain significance. Last evaluated: 2022-07-26. Review status: criteria provided, single submitter. Criteria: Invitae Variant Classification Sherloc (09022015). Collection method: clinical testing. Allele origin: germline.
Comment: This sequence change replaces glutamic acid, which is acidic and polar, with aspartic acid, which is acidic and polar, at codon 200 of the RNASET2 protein (p.Glu200Asp). This variant is present in population databases (no rsID available, gnomAD 0.002%). This variant has not been reported in the literature in individuals affected with RNASET2-related conditions. Algorithms developed to predict the effect of missense changes on protein structure and function are either unavailable or do not agree on the potential impact of this missense change (SIFT: "Tolerated"; PolyPhen-2: "Probably Damaging"; Align-GVGD: "Class C0"). In summary, the available evidence is currently insufficient to determine the role of this variant in disease. Therefore, it has been classified as a Variant of Uncertain Significance.